The following is an entry in ClinVar:

ClinVar aggregate classification (germline): Likely benign. Review status: criteria provided, single submitter (1 of 4 stars). 2 submissions from 2 submitters: Likely benign (1). 1 of the submissions does not count toward it. Last evaluated 2026-09-01.

Conditions:
BAZ2B-related disorder. Also called: BAZ2B-related condition.

Allele frequency attached by ClinVar (database versions not stated): 1000 Genomes Project 0.00260; 1000 Genomes Project 30x 0.00265; TOPMed 0.00448; gnomAD 0.00556; ESP Exome Variant Server 0.00568; ExAC 0.00596; gnomAD exomes 0.00822.
gnomAD v4.1: 12,717 of 1,613,854 alleles (0.79%); highest among the groups gnomAD compares: Non-Finnish European, 0.92%; 76 homozygotes.

Submissions (2):

CeGaT Center for Human Genetics Tuebingen
Classification: Likely benign. Last evaluated: 2026-09-01. Review status: criteria provided, single submitter. Criteria: CeGaT Center For Human Genetics Tuebingen Variant Classification Criteria Version 2. Collection method: clinical testing. Allele origin: germline. Affected: yes. Observed: 11 variant alleles.
Comment: BAZ2B: BS2

PreventionGenetics, part of Exact Sciences
Classification: Benign for BAZ2B-related condition. Last evaluated: 2020-12-24. Review status: no assertion criteria provided. Collection method: clinical testing. Allele origin: germline. Not counted in ClinVar's aggregate classification.
Comment: This variant is classified as benign based on ACMG/AMP sequence variant interpretation guidelines (Richards et al. 2015 PMID: 25741868, with internal and published modifications).

NM_013450.4(BAZ2B):c.5413G>A (p.Asp1805Asn)

Gene: BAZ2B (bromodomain adjacent to zinc finger domain 2B; minus strand). Cytogenetic location: 2q24.2.
Variant type: single nucleotide variant.
Coding change: c.5413G>A on transcript NM_013450.4 (MANE Select); coding-DNA position 5413, G replaced by A.
Protein change: p.Asp1805Asn; replaces aspartic acid 1805 with asparagine.
Molecular consequence: missense variant.
Genome position (GRCh38, 1-based): chr2:159,347,527, C>T on the plus strand (G>A on the coding strand, the complement: BAZ2B is on the minus strand). VCF-style: chr2-159347527-C-T. GRCh37 (hg19) VCF-style: chr2-160204038-C-T.
Other names: c.5305G>A, p.Asp1769Asn (NM_001289975.1); c.5251G>A, p.Asp1751Asn (NM_001329857.2); c.5338G>A, p.Asp1780Asn (NM_001329858.2); short protein forms D1751N, D1769N, D1780N, D1805N.
Identifiers: ClinVar variation 3042164 (VCV003042164.15), dbSNP rs116085584, ClinGen allele CA1923890.